The following is an entry in ClinVar:

NM_005477.3(HCN4):c.1736A>C (p.Glu579Ala)

Gene: HCN4 (hyperpolarization activated cyclic nucleotide gated potassium channel 4; minus strand). Cytogenetic location: 15q24.1.
Variant type: single nucleotide variant.
Coding change: c.1736A>C on transcript NM_005477.3 (MANE Select); coding-DNA position 1736, A replaced by C.
Protein change: p.Glu579Ala; replaces glutamic acid 579 with alanine.
Molecular consequence: missense variant.
Genome position (GRCh38, 1-based): chr15:73,325,299, T>G on the plus strand (A>C on the coding strand, the complement: HCN4 is on the minus strand). VCF-style: chr15-73325299-T-G. GRCh37 (hg19) VCF-style: chr15-73617640-T-G.
Other names: short protein forms E579A.
Identifiers: ClinVar variation 4709579 (VCV004709579.1).

ClinVar aggregate classification (germline): Uncertain significance (1 of 4 stars; one submission).

Conditions:
Brugada syndrome 8 (BRGDA8). Identifiers: Orphanet 130, MedGen C2751083, MONDO:0013148, OMIM 613123.

Submission:

Labcorp Genetics (formerly Invitae), Labcorp
Classification: Uncertain significance for Brugada syndrome 8. Last evaluated: 2025-08-13. Review status: criteria provided, single submitter. Criteria: Invitae Variant Classification Sherloc (09022015). Collection method: clinical testing. Allele origin: germline.
Comment: This sequence change replaces glutamic acid, which is acidic and polar, with alanine, which is neutral and non-polar, at codon 579 of the HCN4 protein (p.Glu579Ala). This variant is not present in population databases (gnomAD no frequency). This variant has not been reported in the literature in individuals affected with HCN4-related conditions. Invitae Evidence Modeling of protein sequence and biophysical properties (such as structural, functional, and spatial information, amino acid conservation, physicochemical variation, residue mobility, and thermodynamic stability) has been performed for this missense variant. However, the output from this modeling did not meet the statistical confidence thresholds required to predict the impact of this variant on HCN4 protein function. Algorithms developed to predict the effect of sequence changes on RNA splicing suggest that this variant may disrupt the consensus splice site. In summary, the available evidence is currently insufficient to determine the role of this variant in disease. Therefore, it has been classified as a Variant of Uncertain Significance.